The following is an entry in ClinVar:

ClinVar aggregate classification (germline): Benign. Review status: criteria provided, multiple submitters, no conflicts (2 of 4 stars). 2 submissions from 2 submitters: Benign (2). Last evaluated 2018-06-13.

Allele frequency attached by ClinVar (database versions not stated): gnomAD exomes 0.09911.

Submissions (2):

GeneDx
Classification: Benign. Last evaluated: 2018-06-13. Review status: criteria provided, single submitter. Criteria: GeneDx Variant Classification (06012015). Collection method: clinical testing. Allele origin: germline. Affected: yes.
Comment: This variant is considered likely benign or benign based on one or more of the following criteria: it is a conservative change, it occurs at a poorly conserved position in the protein, it is predicted to be benign by multiple in silico algorithms, and/or has population frequency not consistent with disease.

Breakthrough Genomics
Classification: Benign. Review status: criteria provided, single submitter. Criteria: ACMG Guidelines, 2015. Collection method: not provided. Allele origin: germline. Inheritance: Autosomal recessive inheritance. Affected: yes.

NM_016239.4(MYO15A):c.8967+22T>G

Gene: MYO15A (myosin XVA; plus strand). Cytogenetic location: 17p11.2.
Variant type: single nucleotide variant.
Coding change: c.8967+22T>G on transcript NM_016239.4 (MANE Select); 22 bases into the intron after coding-DNA position 8967, T replaced by G.
Molecular consequence: intron variant.
Genome position (GRCh38, 1-based): chr17:18,157,922, T>G. VCF-style: chr17-18157922-T-G. GRCh37 (hg19) VCF-style: chr17-18061236-T-G.
Identifiers: ClinVar variation 682743 (VCV000682743.2), dbSNP rs1204381507, ClinGen allele CA625045106.